The following is an entry in ClinVar:

ClinVar aggregate classification (germline): Benign. Review status: criteria provided, multiple submitters, no conflicts (2 of 4 stars). 2 submissions from 2 submitters: Benign (2). Last evaluated 2020-12-30.

Allele frequency attached by ClinVar (database versions not stated): ExAC 0.38235; ESP Exome Variant Server 0.40445; 1000 Genomes Project 0.40475; 1000 Genomes Project 30x 0.40943; gnomAD 0.41133 and 0.41395; TOPMed 0.42033.
gnomAD v4.1: 598,149 of 1,609,774 alleles (37%); highest among the groups gnomAD compares: African/African-American, 52%; 113,028 homozygotes.

Submissions (2):

GeneDx
Classification: Benign. Last evaluated: 2020-12-30. Review status: criteria provided, single submitter. Criteria: GeneDx Variant Classification Process June 2021. Collection method: clinical testing. Allele origin: germline. Affected: yes.
Comment: This variant is associated with the following publications: (PMID: 9461441, 15593299)

Breakthrough Genomics
Classification: Benign. Review status: criteria provided, single submitter. Criteria: ACMG Guidelines, 2015. Collection method: not provided. Allele origin: germline. Inheritance: Unknown mechanism. Affected: yes.

NM_012292.5(ARHGAP45):c.416G>A (p.Arg139His)

Gene: ARHGAP45 (Rho GTPase activating protein 45; plus strand). Cytogenetic location: 19p13.3.
Variant type: single nucleotide variant.
Coding change: c.416G>A on transcript NM_012292.5 (MANE Select); coding-DNA position 416, G replaced by A.
Protein change: p.Arg139His; replaces arginine 139 with histidine.
Molecular consequence: missense variant.
Genome position (GRCh38, 1-based): chr19:1,068,739, G>A. VCF-style: chr19-1068739-G-A. GRCh37 (hg19) VCF-style: chr19-1068738-G-A.
Other names: c.464G>A, p.Arg155His (NM_001258328.4); c.428G>A, p.Arg143His (NM_001321232.2); short protein forms R139H, R143H, R155H.
Identifiers: ClinVar variation 1225485 (VCV001225485.4), dbSNP rs1801284, ClinGen allele CA9035391.
Genomic context (GRCh38, chr19:1,068,739, plus strand): 5'-TGCTGGCGGACGTGGCCCGCTTCGCTGAGGGCCTTGAGAAACTTAAGGAGTGTGTGTTGC[G>A]TGACGGTGAGAGCCACGGGGACACCGAGGCCTGGGTGGAAGACAGAGCCAGACCCAAGGG-3'
Protein context (NP_036424.2, residues 129-149): GLEKLKECVL[Arg139His]DDLLEARRPR